The following is an entry in ClinVar:

ClinVar aggregate classification (germline): Uncertain significance (1 of 4 stars; one submission).

Allele frequency attached by ClinVar (database versions not stated): TOPMed below 0.00001; gnomAD 0.00001.
gnomAD v4.1: 4 of 1,586,422 alleles (0.00025%); highest among the groups gnomAD compares: Non-Finnish European, 0.00034%; no homozygotes.

Submission:

GeneDx
Classification: Uncertain significance. Last evaluated: 2023-03-08. Review status: criteria provided, single submitter. Criteria: GeneDx Variant Classification Process June 2021. Collection method: clinical testing. Allele origin: germline. Affected: yes.
Comment: Not observed at significant frequency in large population cohorts (gnomAD); In silico analysis supports that this missense variant does not alter protein structure/function; Has not been previously published as pathogenic or benign to our knowledge

NM_139242.4(MTFMT):c.1163T>G (p.Ile388Ser)

Gene: MTFMT (mitochondrial methionyl-tRNA formyltransferase; minus strand). Cytogenetic location: 15q22.31.
Variant type: single nucleotide variant.
Coding change: c.1163T>G on transcript NM_139242.4 (MANE Select); coding-DNA position 1163, T replaced by G.
Protein change: p.Ile388Ser; replaces isoleucine 388 with serine.
Molecular consequence: missense variant.
Genome position (GRCh38, 1-based): chr15:65,003,069, A>C on the plus strand (T>G on the coding strand, the complement: MTFMT is on the minus strand). VCF-style: chr15-65003069-A-C. GRCh37 (hg19) VCF-style: chr15-65295407-A-C.
Other names: short protein forms I388S.
Identifiers: ClinVar variation 2579331 (VCV002579331.1), dbSNP rs766439529, ClinGen allele CA392844534.